The following is an entry in ClinVar:

NM_003640.5(ELP1):c.3517G>A (p.Val1173Met)

Gene: ELP1 (elongator acetyltransferase complex subunit 1; minus strand). Cytogenetic location: 9q31.3.
Variant type: single nucleotide variant.
Coding change: c.3517G>A on transcript NM_003640.5 (MANE Select); coding-DNA position 3517, G replaced by A.
Protein change: p.Val1173Met; replaces valine 1173 with methionine.
Molecular consequence: missense variant.
Genome position (GRCh38, 1-based): chr9:108,879,501, C>T on the plus strand (G>A on the coding strand, the complement: ELP1 is on the minus strand). VCF-style: chr9-108879501-C-T. GRCh37 (hg19) VCF-style: chr9-111641781-C-T.
Other names: c.3175G>A, p.Val1059Met (NM_001318360.2); c.2470G>A, p.Val824Met (NM_001330749.2); short protein forms V1173M, V824M, V1059M.
Identifiers: ClinVar variation 2061083 (VCV002061083.2), dbSNP rs771339771, ClinGen allele CA5174272.

ClinVar aggregate classification (germline): Uncertain significance. Review status: criteria provided, multiple submitters, no conflicts (2 of 4 stars). 2 submissions from 2 submitters: Uncertain significance (2). Last evaluated 2024-02-01.

Conditions:
Familial dysautonomia. Also called: FD; HSAN III. Identifiers: Orphanet 1764, MedGen C0013364, MONDO:0009131, OMIM 223900. Disease mechanism: loss of function.
Medulloblastoma (MDB). Also called: Medulloblastoma, somatic; MEDULLOBLASTOMA PREDISPOSITION SYNDROME. Identifiers: Orphanet 616, MedGen C0025149, MeSH D008527, MONDO:0007959, OMIM 155255, HP:0002885.

gnomAD v4.1: 18 of 1,614,144 alleles (0.0011%); highest among the groups gnomAD compares: East Asian, 0.013%; no homozygotes.

Submissions (2):

Fulgent Genetics
Classification: Uncertain significance for Medulloblastoma; Familial dysautonomia. Last evaluated: 2024-02-01. Review status: criteria provided, single submitter. Criteria: ACMG Guidelines, 2015. Collection method: clinical testing. Allele origin: germline.

Labcorp Genetics (formerly Invitae), Labcorp
Classification: Uncertain significance. Last evaluated: 2022-03-02. Review status: criteria provided, single submitter. Criteria: Invitae Variant Classification Sherloc (09022015). Collection method: clinical testing. Allele origin: germline.
Comment: This sequence change replaces valine, which is neutral and non-polar, with methionine, which is neutral and non-polar, at codon 1173 of the ELP1 protein (p.Val1173Met). This variant is present in population databases (rs771339771, gnomAD 0.02%). This variant has not been reported in the literature in individuals affected with ELP1-related conditions. Algorithms developed to predict the effect of missense changes on protein structure and function output the following: SIFT: "Tolerated"; PolyPhen-2: "Benign"; Align-GVGD: "Class C0". The methionine amino acid residue is found in multiple mammalian species, which suggests that this missense change does not adversely affect protein function. In summary, the available evidence is currently insufficient to determine the role of this variant in disease. Therefore, it has been classified as a Variant of Uncertain Significance.